The following is an entry in ClinVar:

NM_020719.3(PRR12):c.2419A>G (p.Ser807Gly)

Gene: PRR12 (proline rich 12; plus strand). Cytogenetic location: 19q13.33.
Variant type: single nucleotide variant.
Coding change: c.2419A>G on transcript NM_020719.3 (MANE Select); coding-DNA position 2419, A replaced by G.
Protein change: p.Ser807Gly; replaces serine 807 with glycine.
Molecular consequence: missense variant.
Genome position (GRCh38, 1-based): chr19:49,596,754, A>G. VCF-style: chr19-49596754-A-G. GRCh37 (hg19) VCF-style: chr19-50100011-A-G.
Other names: short protein forms S807G.
Identifiers: ClinVar variation 4975813 (VCV004975813.1).

ClinVar aggregate classification (germline): Uncertain significance (1 of 4 stars; one submission).

gnomAD v4.1: 1 of 1,593,748 alleles (0.000063%); highest among the groups gnomAD compares: Non-Finnish European, 0.000085%; no homozygotes.

Submission:

GeneDx
Classification: Uncertain significance. Last evaluated: 2026-01-31. Review status: criteria provided, single submitter. Criteria: GeneDx Variant Classification Process June 2021. Collection method: clinical testing. Allele origin: germline.
Comment: Not observed at significant frequency in large population cohorts (gnomAD); In silico analysis suggests that this missense variant does not alter protein structure/function; Has not been previously published as pathogenic or benign to our knowledge